The following is an entry in ClinVar:

NM_002894.3(RBBP8):c.2579A>C (p.Gln860Pro)

Gene: RBBP8 (RB binding protein 8, endonuclease; plus strand). Cytogenetic location: 18q11.2.
Variant type: single nucleotide variant.
Coding change: c.2579A>C on transcript NM_002894.3 (MANE Select); coding-DNA position 2579, A replaced by C.
Protein change: p.Gln860Pro; replaces glutamine 860 with proline.
Molecular consequence: missense variant. On other transcripts: synonymous variant (1).
Genome position (GRCh38, 1-based): chr18:23,022,253, A>C. VCF-style: chr18-23022253-A-C. GRCh37 (hg19) VCF-style: chr18-20602216-A-C.
Other names: c.2579A>C, p.Gln860Pro (NM_203291.2); c.2482A>C, p.Arg828= (NM_203292.2); short protein forms Q860P.
Identifiers: ClinVar variation 449211 (VCV000449211.3), dbSNP rs1009432371, ClinGen allele CA297323100.

ClinVar aggregate classification (germline): Uncertain significance. Review status: criteria provided, multiple submitters, no conflicts (2 of 4 stars). 2 submissions from 2 submitters: Uncertain significance (2). Last evaluated 2025-01-20.

Conditions:
Inborn genetic diseases. Identifiers: MedGen C0950123, MeSH D030342.

Allele frequency attached by ClinVar (database versions not stated): gnomAD 0.00001; TOPMed 0.00001; gnomAD exomes 0.00002.
gnomAD v4.1: 25 of 1,611,174 alleles (0.0016%); highest among the groups gnomAD compares: Non-Finnish European, 0.002%; no homozygotes.

Submissions (2):

Ambry Genetics
Classification: Uncertain significance for Inborn genetic diseases. Last evaluated: 2025-01-20. Review status: criteria provided, single submitter. Criteria: Ambry Variant Classification Scheme 2023. Collection method: clinical testing. Allele origin: germline.

GeneDx
Classification: Uncertain significance. Last evaluated: 2015-05-04. Review status: criteria provided, single submitter. Criteria: GeneDx Variant Classification (06012015). Collection method: clinical testing. Allele origin: germline. Affected: yes.
Comment: A variant of unknown significance has been identified in the RBBP8 gene. The Q860P variant has not been published as a pathogenic variant, nor has it been reported as a benign polymorphism to our knowledge. It was not observed in approximately 6,500 individuals of European and African American ancestry in the NHLBI Exome Sequencing Project, indicating it is not a common benign variant in these populations. The Q860P variant is a non-conservative amino acid substitution, which is likely to impact secondary protein structure as these residues differ in polarity, charge, size and/or other properties. This substitution occurs at a position that is conserved across species. In silico analysis predicts this variant is probably damaging to the protein structure/function. However, missense variants in nearby residues have not been reported in the Human Gene Mutation Database in association with microcephaly (Stenson et al., 2014). Therefore, based on the currently available information, it is unclear whether this variant is a pathogenic mutation or a rare benign variant.